The following is an entry in ClinVar:

NM_001370259.2(MEN1):c.1578C>A (p.Ala526=)

Gene: MEN1 (menin 1; minus strand). Cytogenetic location: 11q13.1.
Variant type: single nucleotide variant.
Coding change: c.1578C>A on transcript NM_001370259.2 (MANE Select); coding-DNA position 1578, C replaced by A.
Protein change: p.Ala526=; no amino-acid change (alanine 526 retained).
Molecular consequence: synonymous variant.
Genome position (GRCh38, 1-based): chr11:64,804,589, G>T on the plus strand (C>A on the coding strand, the complement: MEN1 is on the minus strand). VCF-style: chr11-64804589-G-T. GRCh37 (hg19) VCF-style: chr11-64572061-G-T.
Other names: c.1593C>A, p.Ala531= (NM_000244.4, NM_130800.3, NM_130801.3 and 3 more transcripts); c.1704C>A, p.Ala568= (NM_001370251.2); c.1578C>A, p.Ala526= (NM_001370260.2, NM_001370261.2, NM_130799.3); c.1473C>A, p.Ala491= (NM_001370262.2, NM_001370263.2).
Identifiers: ClinVar variation 220599 (VCV000220599.18), dbSNP rs767655504, ClinGen allele CA060797.

ClinVar aggregate classification (germline): Benign/Likely benign. Review status: criteria provided, multiple submitters, no conflicts (2 of 4 stars). 6 submissions from 6 submitters: Benign (1); Likely benign (5). Last evaluated 2026-01-14.

Conditions:
Hereditary cancer-predisposing syndrome. Also called: Tumor predisposition; Hereditary neoplastic syndrome; Neoplastic Syndromes, Hereditary; Hereditary Cancer Syndrome. Identifiers: Orphanet 140162, MedGen C0027672, MeSH D009386, MONDO:0015356.
Multiple endocrine neoplasia, type 1 (MEN1). Also called: MEN I; WERMER SYNDROME; Endocrine adenomatosis multiple; MEN 1; MEA I. Identifiers: Orphanet 652, MedGen C0025267, MeSH D018761, MONDO:0007540, OMIM 131100.

Allele frequency attached by ClinVar (database versions not stated): ExAC 0.00001; gnomAD exomes 0.00001.

Submissions (6):

Labcorp Genetics (formerly Invitae), Labcorp
Classification: Likely benign for Multiple endocrine neoplasia, type 1. Last evaluated: 2026-01-14. Review status: criteria provided, single submitter. Criteria: Invitae Variant Classification Sherloc (09022015). Collection method: clinical testing. Allele origin: germline.

Myriad Genetics, Inc.
Classification: Benign for Multiple endocrine neoplasia, type 1. Last evaluated: 2024-11-05. Review status: criteria provided, single submitter. Criteria: Myriad Autosomal Dominant, Autosomal Recessive and X-Linked Classification Criteria (2023). Collection method: clinical testing. Allele origin: unknown.
Comment: This variant is considered benign. This variant is a silent/synonymous amino acid change and it is not expected to impact splicing.

All of Us Research Program, National Institutes of Health
Classification: Likely benign for Multiple endocrine neoplasia, type 1. Last evaluated: 2023-11-30. Review status: criteria provided, single submitter. Criteria: ACMG Guidelines, 2015. Collection method: clinical testing. Allele origin: germline. Inheritance: Autosomal dominant inheritance. Observed: 4 variant alleles, 4 heterozygotes.
Comment: This study involves interpretation of variants in research participants for the purpose of population health screening. Participant phenotype was not available at the time of variant classification. Additional details can be found in publication PMID: 35346344, PMCID: PMC8962531

Color Diagnostics, LLC DBA Color Health
Classification: Likely benign for Multiple endocrine neoplasia, type 1. Last evaluated: 2022-11-06. Review status: criteria provided, single submitter. Criteria: ACMG Guidelines, 2015. Collection method: clinical testing. Allele origin: germline.

Sema4
Classification: Likely benign for Hereditary cancer-predisposing syndrome. Last evaluated: 2021-03-14. Review status: criteria provided, single submitter. Criteria: Sema4 Curation Guidelines. Collection method: curation. Allele origin: germline.

Ambry Genetics
Classification: Likely benign for Hereditary cancer-predisposing syndrome. Last evaluated: 2020-03-20. Review status: criteria provided, single submitter. Criteria: Ambry Variant Classification Scheme 2023. Collection method: clinical testing. Allele origin: germline.